The following is an entry in ClinVar:

NM_005630.3(SLCO2A1):c.302T>C (p.Ile101Thr)

Gene: SLCO2A1 (solute carrier organic anion transporter family member 2A1; minus strand). Cytogenetic location: 3q22.1.
Variant type: single nucleotide variant.
Coding change: c.302T>C on transcript NM_005630.3 (MANE Select); coding-DNA position 302, T replaced by C.
Protein change: p.Ile101Thr; replaces isoleucine 101 with threonine.
Molecular consequence: missense variant.
Genome position (GRCh38, 1-based): chr3:133,973,758, A>G on the plus strand (T>C on the coding strand, the complement: SLCO2A1 is on the minus strand). VCF-style: chr3-133973758-A-G. GRCh37 (hg19) VCF-style: chr3-133692602-A-G.
Other names: short protein forms I101T.
Identifiers: ClinVar variation 4855702 (VCV004855702.1).

ClinVar aggregate classification (germline): Uncertain significance (1 of 4 stars; one submission).

Conditions:
Hypertrophic osteoarthropathy, primary, autosomal recessive, 2 (PHOAR2E). Also called: PACHYDERMOPERIOSTOSIS, AUTOSOMAL RECESSIVE; PDP, AUTOSOMAL RECESSIVE; HYPERTROPHIC OSTEOARTHROPATHY, PRIMARY, AUTOSOMAL RECESSIVE, 2/ENTEROPATHY SYNDROME; PHOAR2-enteropathy syndrome. Identifiers: Orphanet 2796, MedGen C3280800, MONDO:0013756, OMIM 614441.

gnomAD v4.1: 21 of 1,614,004 alleles (0.0013%); highest among the groups gnomAD compares: Non-Finnish European, 0.0015%; no homozygotes.

Submission:

3billion
Classification: Uncertain significance for Hypertrophic osteoarthropathy, primary, autosomal recessive, 2. Last evaluated: 2025-06-12. Review status: criteria provided, single submitter. Criteria: ACMG Guidelines, 2015. Collection method: clinical testing. Allele origin: germline. Affected: yes.
Comment: The variant is observed at an extremely low frequency in the gnomAD v4.1.0 dataset (total allele frequency: 0.001%). Predicted Consequence/Location: Missense variant In silico tool predictions suggest damaging effect of the variant on gene or gene product [REVEL: 0.70 (>=0.6, sensitivity 0.68 and specificity 0.92); 3Cnet: 0.11 (> 0.75, sensitivity 0.96 and precision 0.92)]. A different missense change at the same codon (p.Ile101Ser) has been reported to be associated with SLCO2A1-related disorder (ClinVar ID: VCV001174121 /PMID: 27134495). Therefore, this variant is classified as VUS according to the recommendation of ACMG/AMP guideline.

Literature cited by the submitters: PubMed 27134495.